The following is an entry in ClinVar:

ClinVar aggregate classification (germline): Uncertain significance (1 of 4 stars; one submission).

Submission:

Ambry Genetics
Classification: Uncertain significance. Last evaluated: 2025-03-01. Review status: criteria provided, single submitter. Criteria: Ambry Variant Classification Scheme 2023. Collection method: clinical testing. Allele origin: germline.
Comment: The p.T138P variant (also known as c.412A>C), located in coding exon 1 of the PALLD gene, results from an A to C substitution at nucleotide position 412. The threonine at codon 138 is replaced by proline, an amino acid with highly similar properties. This amino acid position is conserved. In addition, this alteration is predicted to be tolerated by in silico analysis. Based on the available evidence, the clinical significance of this variant remains unclear.

NM_001166108.2(PALLD):c.1965-12619A>C

Gene: PALLD (palladin, cytoskeletal associated protein; plus strand). Cytogenetic location: 4q32.3.
Variant type: single nucleotide variant.
Coding change: c.1965-12619A>C on transcript NM_001166108.2 (MANE Select); 12619 bases into the intron before coding-DNA position 1965, A replaced by C.
Molecular consequence: intron variant. On other transcripts: missense variant (1).
Genome position (GRCh38, 1-based): chr4:168,878,303, A>C. VCF-style: chr4-168878303-A-C. GRCh37 (hg19) VCF-style: chr4-169799454-A-C.
Other names: c.412A>C, p.Thr138Pro (NM_001166110.2); c.1965-12619A>C (NM_016081.4); c.819-12619A>C (NM_001166109.2); c.-157-12619A>C (NM_001367570.1, NM_001367568.1, NM_001367567.1 and 1 more transcripts); short protein forms T138P.
Identifiers: ClinVar variation 3885358 (VCV003885358.1).